The following is an entry in ClinVar:

NM_005035.4(POLRMT):c.619G>C (p.Glu207Gln)

Gene: POLRMT (RNA polymerase mitochondrial; minus strand). Cytogenetic location: 19p13.3.
Variant type: single nucleotide variant.
Coding change: c.619G>C on transcript NM_005035.4 (MANE Select); coding-DNA position 619, G replaced by C.
Protein change: p.Glu207Gln; replaces glutamic acid 207 with glutamine.
Molecular consequence: missense variant. On other transcripts: non-coding transcript variant (1).
Genome position (GRCh38, 1-based): chr19:629,743, C>G on the plus strand (G>C on the coding strand, the complement: POLRMT is on the minus strand). VCF-style: chr19-629743-C-G. GRCh37 (hg19) VCF-style: chr19-629743-C-G.
Other names: c.619G>C, p.Glu207Gln (NM_001407832.1, NM_001407805.1, NM_001407806.1 and 12 more transcripts); c.295G>C, p.Glu99Gln (NM_001407833.1, NM_001407834.1, NM_001407835.1 and 2 more transcripts); short protein forms E207Q, E99Q.
Identifiers: ClinVar variation 4886647 (VCV004886647.2).

ClinVar aggregate classification (germline): Uncertain significance (1 of 4 stars; one submission).

Submission:

Dasa
Classification: Uncertain significance. Last evaluated: 2025-11-09. Review status: criteria provided, single submitter. Criteria: DASA Assertion Criteria. Collection method: clinical testing. Allele origin: germline.
Comment: NM_005035.4(POLRMT):c.619G>C (p.Glu207Gln) is a missense variant that results in the substitution of glutamic acid with glutamine. This variant is absent from population databases. Computational prediction algorithms are consistent with a benign effect. The currently available literature and clinical evidence are not sufficient to establish a definitive association between this variant and the reported condition. Therefore, this variant is classified as a variant of uncertain significance.